The following is an entry in ClinVar:

ClinVar aggregate classification (germline): Conflicting classifications of pathogenicity. Review status: criteria provided, conflicting classifications (1 of 4 stars). 5 submissions from 5 submitters: Uncertain significance (2); Likely benign (3). Last evaluated 2026-01-28.

Conditions:
Inborn genetic diseases. Identifiers: MedGen C0950123, MeSH D030342.
Fraser syndrome 1 (FRASRS1). Also called: CRYPTOPHTHALMOS WITH OTHER MALFORMATIONS. Identifiers: Orphanet 2052, MedGen C4551480, MONDO:0054737, OMIM 219000.
FRAS1-related disorder. Also called: FRAS1-related condition.

Allele frequency attached by ClinVar (database versions not stated): ExAC 0.00026; 1000 Genomes Project 0.00040; 1000 Genomes Project 30x 0.00062; gnomAD 0.00005 and 0.00009; gnomAD exomes 0.00011 and 0.00019; TOPMed 0.00016.
gnomAD v4.1: 176 of 1,613,760 alleles (0.011%); highest among the groups gnomAD compares: East Asian, 0.34%; no homozygotes.

Submissions (5):

Labcorp Genetics (formerly Invitae), Labcorp
Classification: Likely benign. Last evaluated: 2026-01-28. Review status: criteria provided, single submitter. Criteria: Invitae Variant Classification Sherloc (09022015). Collection method: clinical testing. Allele origin: germline.

PreventionGenetics, part of Exact Sciences
Classification: Likely benign for FRAS1-related condition. Last evaluated: 2025-09-10. Review status: criteria provided, single submitter. Criteria: ACMG Guidelines, 2015. Collection method: clinical testing. Allele origin: germline.
Comment: This variant is classified as likely benign based on ACMG/AMP sequence variant interpretation guidelines (Richards et al. 2015 PMID: 25741868, with internal and published modifications).

Fulgent Genetics
Classification: Likely benign for Fraser syndrome 1. Last evaluated: 2024-03-12. Review status: criteria provided, single submitter. Criteria: ACMG Guidelines, 2015. Collection method: clinical testing. Allele origin: germline.

Ambry Genetics
Classification: Uncertain significance for Inborn genetic diseases. Last evaluated: 2023-02-15. Review status: criteria provided, single submitter. Criteria: Ambry Variant Classification Scheme 2023. Collection method: clinical testing. Allele origin: germline.

Revvity Omics, Revvity
Classification: Uncertain significance for Fraser syndrome 1. Last evaluated: 2022-07-12. Review status: criteria provided, single submitter. Criteria: ACMG Guidelines, 2015. Collection method: clinical testing. Allele origin: germline.

NM_025074.7(FRAS1):c.9628G>A (p.Ala3210Thr)

Gene: FRAS1 (Fraser extracellular matrix complex subunit 1; plus strand). Cytogenetic location: 4q21.21.
Variant type: single nucleotide variant.
Coding change: c.9628G>A on transcript NM_025074.7 (MANE Select); coding-DNA position 9628, G replaced by A.
Protein change: p.Ala3210Thr; replaces alanine 3210 with threonine.
Molecular consequence: missense variant.
Genome position (GRCh38, 1-based): chr4:78,508,854, G>A. VCF-style: chr4-78508854-G-A. GRCh37 (hg19) VCF-style: chr4-79430008-G-A.
Other names: short protein forms A3210T.
Identifiers: ClinVar variation 706680 (VCV000706680.13), dbSNP rs145189350, ClinGen allele CA2978716.